The following is an entry in ClinVar:

NM_000061.3(BTK):c.1103G>A (p.Gly368Glu)

Gene: BTK (Bruton tyrosine kinase; minus strand). Cytogenetic location: Xq22.1.
Variant type: single nucleotide variant.
Coding change: c.1103G>A on transcript NM_000061.3 (MANE Select); coding-DNA position 1103, G replaced by A.
Protein change: p.Gly368Glu; replaces glycine 368 with glutamic acid.
Molecular consequence: missense variant. On other transcripts: intron variant (1).
Genome position (GRCh38, 1-based): chrX:101,357,583, C>T on the plus strand (G>A on the coding strand, the complement: BTK is on the minus strand). VCF-style: chrX-101357583-C-T. GRCh37 (hg19) VCF-style: chrX-100612571-C-T.
Other names: c.1205G>A, p.Gly402Glu (NM_001287344.2); c.1038+791G>A (NM_001287345.2); short protein forms G368E, G402E.
Identifiers: ClinVar variation 372312 (VCV000372312.1), dbSNP rs1057517710, ClinGen allele CA16043191.

ClinVar aggregate classification (germline): Pathogenic (1 of 4 stars; one submission).

Submission:

GeneDx
Classification: Pathogenic. Last evaluated: 2015-07-17. Review status: criteria provided, single submitter. Criteria: GeneDx Variant Classification (06012015). Collection method: clinical testing. Allele origin: germline. Affected: yes.
Comment: The G368E missense variant in the BTK gene has been reported previously using alternate nomenclature (c.1235 G>A) in association with X-linked agammaglobulinemia (Qin et al., 2013). The G368E variant was not observed in approximately 6,500 individuals of European and African American ancestry in the NHLBI Exome Sequencing Project, indicating it is not a common benign variant in these populations. Therefore, we interpret this variant as pathogenic.